The following is an entry in ClinVar:

NM_001177316.2(SLC34A3):c.145C>T (p.Gln49Ter)

Gene: SLC34A3 (solute carrier family 34 member 3; plus strand). Cytogenetic location: 9q34.3.
Variant type: single nucleotide variant.
Coding change: c.145C>T on transcript NM_001177316.2 (MANE Select); coding-DNA position 145, C replaced by T.
Protein change: p.Gln49Ter; replaces glutamine 49 with a stop codon.
Molecular consequence: nonsense.
Genome position (GRCh38, 1-based): chr9:137,232,131, C>T. VCF-style: chr9-137232131-C-T. GRCh37 (hg19) VCF-style: chr9-140126583-C-T.
Other names: c.145C>T, p.Gln49Ter (NM_001177317.2, NM_080877.3); short protein forms Q49*.
Identifiers: ClinVar variation 1459125 (VCV001459125.6), dbSNP rs2131403056, ClinGen allele CA375725817.

ClinVar aggregate classification (germline): Pathogenic (1 of 4 stars; one submission).

Allele frequency attached by ClinVar (database versions not stated): gnomAD exomes below 0.00001.
gnomAD v4.1: 2 of 1,613,142 alleles (0.00012%); highest among the groups gnomAD compares: Non-Finnish European, 0.00017%; no homozygotes.

Submission:

Labcorp Genetics (formerly Invitae), Labcorp
Classification: Pathogenic. Last evaluated: 2025-06-23. Review status: criteria provided, single submitter. Criteria: Invitae Variant Classification Sherloc (09022015). Collection method: clinical testing. Allele origin: germline.
Comment: This sequence change creates a premature translational stop signal (p.Gln49*) in the SLC34A3 gene. It is expected to result in an absent or disrupted protein product. Loss-of-function variants in SLC34A3 are known to be pathogenic (PMID: 16358214, 16358215, 22159077). This variant is not present in population databases (gnomAD no frequency). This premature translational stop signal has been observed in individual(s) with hypophosphatemic rickets (PMID: 18996815). ClinVar contains an entry for this variant (Variation ID: 1459125). For these reasons, this variant has been classified as Pathogenic.

Literature cited by the submitters: PubMed 16358214; PubMed 16358215; PubMed 22159077; PubMed 18996815.